The following is an entry in ClinVar:

NM_001042492.3(NF1):c.7685G>A (p.Gly2562Glu)

Gene: NF1 (neurofibromin 1; plus strand). Cytogenetic location: 17q11.2.
Variant type: single nucleotide variant.
Coding change: c.7685G>A on transcript NM_001042492.3 (MANE Select); coding-DNA position 7685, G replaced by A.
Protein change: p.Gly2562Glu; replaces glycine 2562 with glutamic acid.
Molecular consequence: missense variant.
Genome position (GRCh38, 1-based): chr17:31,356,529, G>A. VCF-style: chr17-31356529-G-A. GRCh37 (hg19) VCF-style: chr17-29683547-G-A.
Other names: c.7622G>A, p.Gly2541Glu (NM_000267.4); short protein forms G2541E, G2562E.
Identifiers: ClinVar variation 3237950 (VCV003237950.2), dbSNP rs2070274448.
Genomic context (GRCh38, chr17:31,356,529, plus strand): 5'-AAAGTTTTGATCACTTGATATCAGACACAAAGGCTCCTAAAAGGCAAGAAATGGAATCAG[G>A]GATCACAACACCCCCCAAAATGAGGAGAGTAGCAGAAACTGATTATGAAATGGGTGAGAA-3'
Protein context (NP_001035957.1, residues 2552-2572): KAPKRQEMES[Gly2562Glu]ITTPPKMRRV

ClinVar aggregate classification (germline): Uncertain significance. Review status: criteria provided, multiple submitters, no conflicts (2 of 4 stars). 2 submissions from 2 submitters: Uncertain significance (2). Last evaluated 2025-03-28.

Conditions:
Hereditary cancer-predisposing syndrome. Also called: Neoplastic Syndromes, Hereditary; Tumor predisposition; Hereditary neoplastic syndrome; Hereditary Cancer Syndrome. Identifiers: Orphanet 140162, MedGen C0027672, MeSH D009386, MONDO:0015356.
Cardiovascular phenotype. Identifiers: MedGen CN230736.

Submissions (2):

GeneDx
Classification: Uncertain significance. Last evaluated: 2025-03-28. Review status: criteria provided, single submitter. Criteria: GeneDx Variant Classification Process June 2021. Collection method: clinical testing. Allele origin: germline. Affected: yes.
Comment: Not observed at significant frequency in large population cohorts (gnomAD); In silico analysis supports that this missense variant has a deleterious effect on protein structure/function; Has not been previously published as pathogenic or benign to our knowledge; This variant is associated with the following publications: (PMID: 25486365)

Ambry Genetics
Classification: Uncertain significance for Cardiovascular phenotype; Hereditary cancer-predisposing syndrome. Last evaluated: 2023-11-13. Review status: criteria provided, single submitter. Criteria: Ambry Variant Classification Scheme 2023. Collection method: clinical testing. Allele origin: germline.
Comment: The p.G2541E variant (also known as c.7622G>A), located in coding exon 51 of the NF1 gene, results from a G to A substitution at nucleotide position 7622. The glycine at codon 2541 is replaced by glutamic acid, an amino acid with similar properties. This amino acid position is conserved. In addition, the in silico prediction for this alteration is inconclusive. Since supporting evidence is limited at this time, the clinical significance of this alteration remains unclear.